The following is an entry in ClinVar:

NM_014915.3(ANKRD26):c.1117G>A (p.Gly373Ser)

Gene: ANKRD26 (ankyrin repeat domain 26; minus strand). Cytogenetic location: 10p12.1.
Variant type: single nucleotide variant.
Coding change: c.1117G>A on transcript NM_014915.3 (MANE Select); coding-DNA position 1117, G replaced by A.
Protein change: p.Gly373Ser; replaces glycine 373 with serine.
Molecular consequence: missense variant.
Genome position (GRCh38, 1-based): chr10:27,067,247, C>T on the plus strand (G>A on the coding strand, the complement: ANKRD26 is on the minus strand). VCF-style: chr10-27067247-C-T. GRCh37 (hg19) VCF-style: chr10-27356176-C-T.
Other names: c.1117G>A, p.Gly373Ser (NM_001256053.2); short protein forms G373S.
Identifiers: ClinVar variation 3644003 (VCV003644003.3).

ClinVar aggregate classification (germline): Uncertain significance. Review status: criteria provided, multiple submitters, no conflicts (2 of 4 stars). 2 submissions from 2 submitters: Uncertain significance (2). Last evaluated 2025-04-30.

Conditions:
Inborn genetic diseases. Identifiers: MedGen C0950123, MeSH D030342.

Submissions (2):

Labcorp Genetics (formerly Invitae), Labcorp
Classification: Uncertain significance. Last evaluated: 2025-04-30. Review status: criteria provided, single submitter. Criteria: Invitae Variant Classification Sherloc (09022015). Collection method: clinical testing. Allele origin: germline.
Comment: This sequence change replaces glycine, which is neutral and non-polar, with serine, which is neutral and polar, at codon 373 of the ANKRD26 protein (p.Gly373Ser). This variant is not present in population databases (gnomAD no frequency). This variant has not been reported in the literature in individuals affected with ANKRD26-related conditions. ClinVar contains an entry for this variant (Variation ID: 3644003). An algorithm developed to predict the effect of missense changes on protein structure and function outputs the following: PolyPhen-2: "Benign". The serine amino acid residue is found in multiple mammalian species, which suggests that this missense change does not adversely affect protein function. In summary, the available evidence is currently insufficient to determine the role of this variant in disease. Therefore, it has been classified as a Variant of Uncertain Significance.

Ambry Genetics
Classification: Uncertain significance for Inborn genetic diseases. Last evaluated: 2025-04-12. Review status: criteria provided, single submitter. Criteria: Ambry Variant Classification Scheme 2023. Collection method: clinical testing. Allele origin: germline.
Comment: The p.G373S variant (also known as c.1117G>A), located in coding exon 10 of the ANKRD26 gene, results from a G to A substitution at nucleotide position 1117. The glycine at codon 373 is replaced by serine, an amino acid with similar properties. This amino acid position is conserved. In addition, this alteration is predicted to be tolerated by in silico analysis. Based on the available evidence, the clinical significance of this variant remains unclear.